The following is an entry in ClinVar:

NM_007294.4(BRCA1):c.723C>G (p.Pro241=)

Gene: BRCA1 (BRCA1 DNA repair associated; minus strand). Cytogenetic location: 17q21.31.
Variant type: single nucleotide variant.
Coding change: c.723C>G on transcript NM_007294.4 (MANE Select); coding-DNA position 723, C replaced by G.
Protein change: p.Pro241=; no amino-acid change (proline 241 retained).
Molecular consequence: synonymous variant. On other transcripts: intron variant (13), 5 prime UTR variant (2).
Genome position (GRCh38, 1-based): chr17:43,094,808, G>C on the plus strand (C>G on the coding strand, the complement: BRCA1 is on the minus strand). VCF-style: chr17-43094808-G-C. GRCh37 (hg19) VCF-style: chr17-41246825-G-C.
Other names: c.510C>G, p.Pro170= (NM_001407898.1, NM_001407899.1, NM_001407894.1 and 12 more transcripts); c.513C>G, p.Pro171= (NM_001407900.1, NM_001407902.1, NM_001407904.1 and 25 more transcripts); c.723C>G, p.Pro241= (NM_001407581.1, NM_001407582.1, NM_001407583.1 and 53 more transcripts); c.720C>G, p.Pro240= (NM_001407587.1, NM_001407590.1, NM_001407591.1 and 38 more transcripts); c.714C>G, p.Pro238= (NM_001407646.1, NM_001407647.1, NM_001408408.1); c.600C>G, p.Pro200= (NM_001407648.1, NM_001407664.1, NM_001407665.1 and 34 more transcripts); c.597C>G, p.Pro199= (NM_001407649.1, NM_001407670.1, NM_001407671.1 and 20 more transcripts); c.645C>G, p.Pro215= (NM_001407653.1, NM_001407654.1, NM_001407655.1 and 9 more transcripts); and 20 more.
Identifiers: ClinVar variation 4085547 (VCV004085547.8).
Genomic context (GRCh38, chr17:43,094,808, plus strand): 5'-ATACTTTTCTGGATGCCTCTCAGCTGCACGCTTCTCAGTGGTGTTCAAATCATTATTACT[G>C]GGTTGATGATGTTCAGTATTTGTTACATCCGTCTCAGAAAATTCACAAGCAGCTGAAAAT-3'
Protein context (NP_009225.1, residues 231-251): TDVTNTEHHQ[Pro241=]SNNDLNTTEK

ClinVar aggregate classification (germline): Likely benign (1 of 4 stars; one submission).

Submission:

CeGaT Center for Human Genetics Tuebingen
Classification: Likely benign. Last evaluated: 2025-07-01. Review status: criteria provided, single submitter. Criteria: CeGaT Center For Human Genetics Tuebingen Variant Classification Criteria Version 2. Collection method: clinical testing. Allele origin: germline. Affected: yes. Observed: 1 variant allele.
Comment: BRCA1: PM2:Supporting, BP4, BP7